The following is an entry in ClinVar:

NM_003978.5(PSTPIP1):c.652C>T (p.Leu218=)

Gene: PSTPIP1 (proline-serine-threonine phosphatase interacting protein 1; plus strand). Cytogenetic location: 15q24.3.
Variant type: single nucleotide variant.
Coding change: c.652C>T on transcript NM_003978.5 (MANE Select); coding-DNA position 652, C replaced by T.
Protein change: p.Leu218=; no amino-acid change (leucine 218 retained).
Molecular consequence: synonymous variant. On other transcripts: non-coding transcript variant (1).
Genome position (GRCh38, 1-based): chr15:77,031,189, C>T. VCF-style: chr15-77031189-C-T. GRCh37 (hg19) VCF-style: chr15-77323530-C-T.
Other names: c.652C>T, p.Leu218= (NM_001321135.2); c.625C>T, p.Leu209= (NM_001321136.2); c.847C>T, p.Leu283= (NM_001321137.1).
Identifiers: ClinVar variation 317179 (VCV000317179.61), dbSNP rs35677716, ClinGen allele CA7675929.

ClinVar aggregate classification (germline): Benign/Likely benign. Review status: criteria provided, multiple submitters, no conflicts (2 of 4 stars). 10 submissions from 10 submitters: Benign (6); Likely benign (2). 2 of the submissions do not count toward it. Last evaluated 2026-02-02.

Conditions:
Pyogenic arthritis-pyoderma gangrenosum-acne syndrome (PAPA). Also called: PAPA SYNDROME; FAMILIAL RECURRENT ARTHRITIS. Identifiers: Orphanet 69126, MedGen C1858361, MONDO:0011462, OMIM 604416.

Allele frequency attached by ClinVar (database versions not stated): gnomAD exomes 0.00029 and 0.00076; ExAC 0.00085; 1000 Genomes Project 30x 0.00187; 1000 Genomes Project 0.00200; ESP Exome Variant Server 0.00248; gnomAD 0.00258 and 0.00279; TOPMed 0.00303.

Submissions (10):

Labcorp Genetics (formerly Invitae), Labcorp
Classification: Benign for Pyogenic arthritis-pyoderma gangrenosum-acne syndrome. Last evaluated: 2026-02-02. Review status: criteria provided, single submitter. Criteria: Invitae Variant Classification Sherloc (09022015). Collection method: clinical testing. Allele origin: germline.

Women's Health and Genetics/Laboratory Corporation of America, LabCorp
Classification: Benign. Last evaluated: 2026-01-23. Review status: criteria provided, single submitter. Criteria: LabCorp Variant Classification Summary - May 2015. Collection method: clinical testing. Allele origin: germline.

CeGaT Center for Human Genetics Tuebingen
Classification: Likely benign. Last evaluated: 2025-12-01. Review status: criteria provided, single submitter. Criteria: CeGaT Center For Human Genetics Tuebingen Variant Classification Criteria Version 2. Collection method: clinical testing. Allele origin: germline. Affected: yes. Observed: 5 variant alleles.
Comment: PSTPIP1: BP4, BP7

Blueprint Genetics
Classification: Likely benign. Last evaluated: 2024-10-23. Review status: criteria provided, single submitter. Criteria: ACMG Guidelines, 2015. Collection method: clinical testing. Allele origin: germline.

ARUP Laboratories, Molecular Genetics and Genomics, ARUP Laboratories
Classification: Benign for Pyogenic arthritis-pyoderma gangrenosum-acne syndrome. Last evaluated: 2024-07-05. Review status: criteria provided, single submitter. Criteria: ARUP Molecular Germline Variant Investigation Process 2024. Collection method: clinical testing. Allele origin: germline.

Illumina Laboratory Services, Illumina
Classification: Benign for Pyogenic arthritis-pyoderma gangrenosum-acne syndrome. Last evaluated: 2018-01-13. Review status: criteria provided, single submitter. Criteria: ICSL Variant Classification Criteria 13 December 2019. Collection method: clinical testing. Allele origin: germline.
Comment: This variant was observed in the ICSL laboratory as part of a predisposition screen in an ostensibly healthy population. It had not been previously curated by ICSL or reported in the Human Gene Mutation Database (HGMD: prior to June 1st, 2018), and was therefore a candidate for classification through an automated scoring system. Utilizing variant allele frequency, disease prevalence and penetrance estimates, and inheritance mode, an automated score was calculated to assess if this variant is too frequent to cause the disease. Based on the score and internal cut-off values, a variant classified as benign is not then subjected to further curation. The score for this variant resulted in a classification of benign for this disease.

GeneDx
Classification: Benign. Last evaluated: 2015-03-03. Review status: criteria provided, single submitter. Criteria: GeneDx Variant Classification Process June 2021. Collection method: clinical testing. Allele origin: germline. Affected: yes.

Breakthrough Genomics
Classification: Benign. Review status: criteria provided, single submitter. Criteria: ACMG Guidelines, 2015. Collection method: not provided. Allele origin: germline. Inheritance: Autosomal dominant inheritance. Affected: yes.

Clinical Genetics DNA and cytogenetics Diagnostics Lab, Erasmus MC, Erasmus Medical Center
Classification: Likely benign. Review status: no assertion criteria provided. Collection method: clinical testing. Allele origin: germline. Affected: yes. Study: VKGL Data-share Consensus. Not counted in ClinVar's aggregate classification.

Genome Diagnostics Laboratory, University Medical Center Utrecht
Classification: Benign. Review status: no assertion criteria provided. Collection method: clinical testing. Allele origin: germline. Affected: yes. Study: VKGL Data-share Consensus. Not counted in ClinVar's aggregate classification.